The following is an entry in ClinVar:

NM_001267550.2(TTN):c.53229_53232dup (p.Thr17745fs)

Genes: TTN (titin; minus strand), TTN-AS1 (TTN antisense RNA 1; plus strand), LOC126806425 (BRD4-independent group 4 enhancer GRCh37_chr2:179471933-179473132; plus strand). Cytogenetic location: 2q31.2.
Variant type: Duplication.
Coding change: c.53229_53232dup on transcript NM_001267550.2 (MANE Select); coding-DNA positions 53229 to 53232, 4 bases duplicated (GATT; older notation c.53229_53232dupGATT).
Protein change: p.Thr17745fs; shifts the reading frame from threonine 17745.
Molecular consequence: frameshift variant.
Genome position (GRCh38, 1-based): chr2:178,607,456-178,607,459, AATC duplicated on the plus strand (GATT on the coding strand, the reverse complement: TTN is on the minus strand); duplicating any 4 consecutive bases within chr2:178,607,456-178,607,460 gives the same sequence; the c. name uses the placement nearest the transcript's 3' end. VCF-style (leftmost placement, unchanged base first): chr2-178607455-T-TAATC. GRCh37 (hg19) VCF-style: chr2-179472182-T-TAATC.
Other names: c.48306_48309dup, p.Thr16104fs (NM_001256850.1); c.26034_26037dup, p.Thr8680fs (NM_003319.4); c.45525_45528dup, p.Thr15177fs (NM_133378.4); c.26409_26412dup, p.Thr8805fs (NM_133432.3); c.26610_26613dup, p.Thr8872fs (NM_133437.4); short protein forms T15177fs, T16104fs, T17745fs, T8680fs, T8805fs, T8872fs.
Identifiers: ClinVar variation 4852187 (VCV004852187.1).

ClinVar aggregate classification (germline): Likely pathogenic (1 of 4 stars; one submission).

Conditions:
Dilated cardiomyopathy 1G (CMD1G). Identifiers: Orphanet 154, MedGen C1858763, MONDO:0011400, OMIM 604145.

Submission:

Variantyx, Inc.
Classification: Likely pathogenic for Dilated cardiomyopathy 1G. Last evaluated: 2025-08-19. Review status: criteria provided, single submitter. Criteria: Variantyx Assertion Criteria 2022. Collection method: clinical testing. Allele origin: germline. Inheritance: Autosomal dominant inheritance. Affected: yes.
Comment: This is a frameshift variant in the TTN gene (OMIM: 188840). Pathogenic variants in this gene have been associated with autosomal dominant dilated cardiomyopathy 1G. This variant introduces a premature termination codon in exon 277 out of 363 in the A band of TTN and is expected to result in loss of function, which is a known disease mechanism for TTN in this disorder (PMID: 38938651) (PVS1). This variant is absent from control populations (PM2) and it has not been reported in individuals with TTN-related disorders in the databases available for review. Based on the current evidence, this variant is classified as likely pathogenic for autosomal dominant dilated cardiomyopathy 1G.A

Literature cited by the submitters: PubMed 38938651.